The following is an entry in ClinVar:

NM_000057.4(BLM):c.1043dup (p.Met348fs)

Gene: BLM (BLM RecQ like helicase; plus strand). Cytogenetic location: 15q26.1.
Variant type: Duplication.
Coding change: c.1043dup on transcript NM_000057.4 (MANE Select); coding-DNA position 1043, one base duplicated (T; older notation c.1043dupT).
Protein change: p.Met348fs; shifts the reading frame from methionine 348.
Molecular consequence: frameshift variant. On other transcripts: 5 prime UTR variant (1).
Genome position (GRCh38, 1-based): chr15:90,754,894, T duplicated. VCF-style (leftmost placement, unchanged base first): chr15-90754893-A-AT. GRCh37 (hg19) VCF-style: chr15-91298123-A-AT.
Other names: c.1043dup, p.Met348fs (NM_001287246.2, NM_001287247.2); c.-249dup (NM_001287248.2); short protein forms M348fs.
Identifiers: ClinVar variation 584884 (VCV000584884.10), dbSNP rs1567038003, ClinGen allele CA891844124.

ClinVar aggregate classification (germline): Pathogenic. Review status: criteria provided, multiple submitters, no conflicts (2 of 4 stars). 2 submissions from 2 submitters: Pathogenic (2). Last evaluated 2019-11-21.

Conditions:
Bloom syndrome (BLM). Also called: Bloom-Torre-Machacek syndrome. Identifiers: Orphanet 125, MedGen C0005859, MONDO:0008876, OMIM 210900.

Submissions (2):

Labcorp Genetics (formerly Invitae), Labcorp
Classification: Pathogenic for Bloom syndrome. Last evaluated: 2019-11-21. Review status: criteria provided, single submitter. Criteria: Invitae Variant Classification Sherloc (09022015). Collection method: clinical testing. Allele origin: germline.
Comment: For these reasons, this variant has been classified as Pathogenic. Loss-of-function variants in BLM are known to be pathogenic (PMID: 17407155). This variant has not been reported in the literature in individuals with BLM-related conditions. ClinVar contains an entry for this variant (Variation ID: 584884). This variant is not present in population databases (ExAC no frequency). This sequence change creates a premature translational stop signal (p.Met348Ilefs*15) in the BLM gene. It is expected to result in an absent or disrupted protein product.

Mendelics
Classification: Pathogenic for Bloom syndrome. Last evaluated: 2018-07-02. Review status: criteria provided, single submitter. Criteria: Mendelics Assertion Criteria 2017. Collection method: clinical testing. Allele origin: unknown.

Literature cited by the submitters: PubMed 17407155 (cited by Labcorp Genetics (formerly Invitae), Labcorp).